The following is an entry in ClinVar:

ClinVar aggregate classification (germline): Likely benign (1 of 4 stars; one submission).

Submission:

CeGaT Center for Human Genetics Tuebingen
Classification: Likely benign. Last evaluated: 2022-08-01. Review status: criteria provided, single submitter. Criteria: CeGaT Center For Human Genetics Tuebingen Variant Classification Criteria Version 2. Collection method: clinical testing. Allele origin: germline. Affected: yes. Observed: 1 variant allele.
Comment: CENPVL1: PM2:Supporting, BP4, BP7

NM_001355277.1(CENPVL1):c.49C>A (p.Arg17=)

Gene: CENPVL1 (centromere protein V like 1; plus strand). Cytogenetic location: Xp11.22.
Variant type: single nucleotide variant.
Coding change: c.49C>A on transcript NM_001355277.1 (MANE Select); coding-DNA position 49, C replaced by A.
Protein change: p.Arg17=; no amino-acid change (arginine 17 retained).
Molecular consequence: synonymous variant.
Genome position (GRCh38, 1-based): chrX:51,710,560, C>A. VCF-style: chrX-51710560-C-A. GRCh37 (hg19) VCF-style: chrX-51453656-C-A.
Identifiers: ClinVar variation 2660570 (VCV002660570.24), dbSNP rs1557347412, ClinGen allele CA876156253.